The following is an entry in ClinVar:

NM_000186.4(CFH):c.3461A>C (p.Asn1154Thr)

Gene: CFH (complement factor H; plus strand). Cytogenetic location: 1q31.3.
Variant type: single nucleotide variant.
Coding change: c.3461A>C on transcript NM_000186.4 (MANE Select); coding-DNA position 3461, A replaced by C.
Protein change: p.Asn1154Thr; replaces asparagine 1154 with threonine.
Molecular consequence: missense variant.
Genome position (GRCh38, 1-based): chr1:196,745,967, A>C. VCF-style: chr1-196745967-A-C. GRCh37 (hg19) VCF-style: chr1-196715097-A-C.
Other names: short protein forms N1154T.
Identifiers: ClinVar variation 2002235 (VCV002002235.4), dbSNP rs2529557287, ClinGen allele CA343986153.
Genomic context (GRCh38, chr1:196,745,967, plus strand): 5'-TTGAGTACCAATGCCAGAACTTGTATCAACTTGAGGGTAACAAGCGAATAACATGTAGAA[A>C]TGGACAATGGTCAGAACCACCAAAATGCTTACGTAAGTACTTTAATATTCACGTGGCTGG-3'
Protein context (NP_000177.2, residues 1144-1164): LEGNKRITCR[Asn1154Thr]GQWSEPPKCL

ClinVar aggregate classification (germline): Uncertain significance (1 of 4 stars; one submission).

Submission:

Labcorp Genetics (formerly Invitae), Labcorp
Classification: Uncertain significance. Last evaluated: 2022-06-03. Review status: criteria provided, single submitter. Criteria: Invitae Variant Classification Sherloc (09022015). Collection method: clinical testing. Allele origin: germline.
Comment: In summary, the available evidence is currently insufficient to determine the role of this variant in disease. Therefore, it has been classified as a Variant of Uncertain Significance. Algorithms developed to predict the effect of missense changes on protein structure and function are either unavailable or do not agree on the potential impact of this missense change (SIFT: "Deleterious"; PolyPhen-2: "Probably Damaging"; Align-GVGD: "Class C0"). This variant has not been reported in the literature in individuals affected with CFH-related conditions. This variant is not present in population databases (gnomAD no frequency). This sequence change replaces asparagine, which is neutral and polar, with threonine, which is neutral and polar, at codon 1154 of the CFH protein (p.Asn1154Thr).